The following is an entry in ClinVar:

NM_001128840.3(CACNA1D):c.522C>G (p.Val174=)

Gene: CACNA1D (calcium voltage-gated channel subunit alpha1 D; plus strand). Cytogenetic location: 3p21.1.
Variant type: single nucleotide variant.
Coding change: c.522C>G on transcript NM_001128840.3 (MANE Select); coding-DNA position 522, C replaced by G.
Protein change: p.Val174=; no amino-acid change (valine 174 retained).
Molecular consequence: synonymous variant.
Genome position (GRCh38, 1-based): chr3:53,650,817, C>G. VCF-style: chr3-53650817-C-G. GRCh37 (hg19) VCF-style: chr3-53684844-C-G.
Other names: p.Val174=; c.522C>G, p.Val174= (NM_000720.4, NM_001128839.3).
Identifiers: ClinVar variation 4684707 (VCV004684707.1).

ClinVar aggregate classification (germline): Likely benign (1 of 4 stars; one submission).

Submission:

Mayo Clinic Laboratories, Mayo Clinic
Classification: Likely benign. Last evaluated: 2025-03-30. Review status: criteria provided, single submitter. Criteria: ACMG Guidelines, 2015. Collection method: clinical testing. Allele origin: germline. Observed: 1 variant allele.
Comment: BP4, BP7, PM2_supporting